The following is an entry in ClinVar:

NM_007348.4(ATF6):c.1325A>G (p.Asp442Gly)

Gene: ATF6 (activating transcription factor 6; plus strand). Cytogenetic location: 1q23.3.
Variant type: single nucleotide variant.
Coding change: c.1325A>G on transcript NM_007348.4 (MANE Select); coding-DNA position 1325, A replaced by G.
Protein change: p.Asp442Gly; replaces aspartic acid 442 with glycine.
Molecular consequence: missense variant.
Genome position (GRCh38, 1-based): chr1:161,851,727, A>G. VCF-style: chr1-161851727-A-G. GRCh37 (hg19) VCF-style: chr1-161821517-A-G.
Other names: short protein forms D442G.
Identifiers: ClinVar variation 934218 (VCV000934218.6), dbSNP rs1303096271, ClinGen allele CA343380494.

ClinVar aggregate classification (germline): Uncertain significance (1 of 4 stars; one submission).

Allele frequency attached by ClinVar (database versions not stated): gnomAD exomes below 0.00001 and 0.00002.

Submission:

Labcorp Genetics (formerly Invitae), Labcorp
Classification: Uncertain significance. Last evaluated: 2022-11-29. Review status: criteria provided, single submitter. Criteria: Invitae Variant Classification Sherloc (09022015). Collection method: clinical testing. Allele origin: germline.
Comment: This variant has not been reported in the literature in individuals affected with ATF6-related conditions. ClinVar contains an entry for this variant (Variation ID: 934218). Advanced modeling of protein sequence and biophysical properties (such as structural, functional, and spatial information, amino acid conservation, physicochemical variation, residue mobility, and thermodynamic stability) performed at Invitae indicates that this missense variant is not expected to disrupt ATF6 protein function. In summary, the available evidence is currently insufficient to determine the role of this variant in disease. Therefore, it has been classified as a Variant of Uncertain Significance. This variant is present in population databases (no rsID available, gnomAD 0.01%). This sequence change replaces aspartic acid, which is acidic and polar, with glycine, which is neutral and non-polar, at codon 442 of the ATF6 protein (p.Asp442Gly).